The following is an entry in ClinVar:

NM_144997.7(FLCN):c.720G>T (p.Ser240=)

Gene: FLCN (folliculin; minus strand). Cytogenetic location: 17p11.2.
Variant type: single nucleotide variant.
Coding change: c.720G>T on transcript NM_144997.7 (MANE Select); coding-DNA position 720, G replaced by T.
Protein change: p.Ser240=; no amino-acid change (serine 240 retained).
Molecular consequence: synonymous variant.
Genome position (GRCh38, 1-based): chr17:17,222,560, C>A on the plus strand (G>T on the coding strand, the complement: FLCN is on the minus strand). VCF-style: chr17-17222560-C-A. GRCh37 (hg19) VCF-style: chr17-17125874-C-A.
Other names: c.774G>T, p.Ser258= (NM_001353229.2); c.720G>T, p.Ser240= (NM_001353230.2, NM_001353231.2, NM_144606.7).
Identifiers: ClinVar variation 3773120 (VCV003773120.2).

ClinVar aggregate classification (germline): Benign/Likely benign. Review status: criteria provided, multiple submitters, no conflicts (2 of 4 stars). 2 submissions from 2 submitters: Benign (1); Likely benign (1). Last evaluated 2025-03-12.

Conditions:
Hereditary cancer-predisposing syndrome. Also called: Neoplastic Syndromes, Hereditary; Tumor predisposition; Hereditary Cancer Syndrome; Hereditary neoplastic syndrome. Identifiers: Orphanet 140162, MedGen C0027672, MeSH D009386, MONDO:0015356.
Birt-Hogg-Dube syndrome 1 (BHD1). Also called: FIBROFOLLICULOMAS WITH TRICHODISCOMAS AND ACROCHORDONS. Identifiers: Orphanet 122, MedGen CN375946, MONDO:0800445, OMIM 135150.

Submissions (2):

Ambry Genetics
Classification: Likely benign for Hereditary cancer-predisposing syndrome. Last evaluated: 2025-03-12. Review status: criteria provided, single submitter. Criteria: Ambry Variant Classification Scheme 2023. Collection method: clinical testing. Allele origin: germline.

Myriad Genetics, Inc.
Classification: Benign for Birt-Hogg-Dube syndrome 1. Last evaluated: 2024-10-23. Review status: criteria provided, single submitter. Criteria: Myriad Autosomal Dominant, Autosomal Recessive and X-Linked Classification Criteria (2023). Collection method: clinical testing. Allele origin: unknown.
Comment: This variant is considered benign. This variant is a silent/synonymous amino acid change and it is not expected to impact splicing.